The following is an entry in ClinVar:

NM_017780.4(CHD7):c.2983A>G (p.Met995Val)

Gene: CHD7 (chromodomain helicase DNA binding protein 7; plus strand). Cytogenetic location: 8q12.2.
Variant type: single nucleotide variant.
Coding change: c.2983A>G on transcript NM_017780.4 (MANE Select); coding-DNA position 2983, A replaced by G.
Protein change: p.Met995Val; replaces methionine 995 with valine.
Molecular consequence: missense variant. On other transcripts: intron variant (1).
Genome position (GRCh38, 1-based): chr8:60,822,528, A>G. VCF-style: chr8-60822528-A-G. GRCh37 (hg19) VCF-style: chr8-61735087-A-G.
Other names: c.1717-39701A>G (NM_001316690.1); short protein forms M995V.
Identifiers: ClinVar variation 3649855 (VCV003649855.2).

ClinVar aggregate classification (germline): Pathogenic (1 of 4 stars; one submission).

Conditions:
CHARGE syndrome (CHARGE). Also called: Hittner Hirsch Kreh syndrome; CHARGE ASSOCIATION--COLOBOMA, HEART ANOMALY, CHOANAL ATRESIA, RETARDATION, GENITAL AND EAR ANOMALIES; Coloboma, heart anomaly, choanal atresia, retardation, genital and ear anomalies; CHARGE association; Hall-Hittner syndrome. Identifiers: Orphanet 138, MedGen C0265354, MONDO:0008965.

Submission:

Labcorp Genetics (formerly Invitae), Labcorp
Classification: Pathogenic for CHARGE syndrome. Last evaluated: 2024-06-04. Review status: criteria provided, single submitter. Criteria: Invitae Variant Classification Sherloc (09022015). Collection method: clinical testing. Allele origin: germline.
Comment: This sequence change replaces methionine, which is neutral and non-polar, with valine, which is neutral and non-polar, at codon 995 of the CHD7 protein (p.Met995Val). This variant is not present in population databases (gnomAD no frequency). This missense change has been observed in individual(s) with clinical features of CHARGE syndrome (Invitae). In at least one individual the variant was observed to be de novo. Advanced modeling of protein sequence and biophysical properties (such as structural, functional, and spatial information, amino acid conservation, physicochemical variation, residue mobility, and thermodynamic stability) performed at Invitae indicates that this missense variant is expected to disrupt CHD7 protein function with a positive predictive value of 95%. For these reasons, this variant has been classified as Pathogenic.